The following is an entry in ClinVar:

ClinVar aggregate classification (germline): Uncertain significance (1 of 4 stars; one submission).

Conditions:
Hypertrophic cardiomyopathy 14. Identifiers: MedGen C2750467, MONDO:0013197, OMIM 613251.

Submission:

Labcorp Genetics (formerly Invitae), Labcorp
Classification: Uncertain significance for Hypertrophic cardiomyopathy 14. Last evaluated: 2023-12-21. Review status: criteria provided, single submitter. Criteria: Invitae Variant Classification Sherloc (09022015). Collection method: clinical testing. Allele origin: germline.
Comment: This sequence change replaces lysine, which is basic and polar, with arginine, which is basic and polar, at codon 1326 of the MYH6 protein (p.Lys1326Arg). This variant is not present in population databases (gnomAD no frequency). This variant has not been reported in the literature in individuals affected with MYH6-related conditions. An algorithm developed to predict the effect of missense changes on protein structure and function (PolyPhen-2) suggests that this variant is likely to be disruptive. Algorithms developed to predict the effect of sequence changes on RNA splicing suggest that this variant may disrupt the consensus splice site. In summary, the available evidence is currently insufficient to determine the role of this variant in disease. Therefore, it has been classified as a Variant of Uncertain Significance.

NM_002471.4(MYH6):c.3977A>G (p.Lys1326Arg)

Gene: MYH6 (myosin heavy chain 6; minus strand). Cytogenetic location: 14q11.2.
Variant type: single nucleotide variant.
Coding change: c.3977A>G on transcript NM_002471.4 (MANE Select); coding-DNA position 3977, A replaced by G.
Protein change: p.Lys1326Arg; replaces lysine 1326 with arginine.
Molecular consequence: missense variant.
Genome position (GRCh38, 1-based): chr14:23,389,394, T>C on the plus strand (A>G on the coding strand, the complement: MYH6 is on the minus strand). VCF-style: chr14-23389394-T-C. GRCh37 (hg19) VCF-style: chr14-23858603-T-C.
Other names: short protein forms K1326R.
Identifiers: ClinVar variation 2703925 (VCV002703925.3), dbSNP rs2502155918, ClinGen allele CA389002440.